The following continues an entry in ClinVar:

NM_000090.4(COL3A1):c.2356G>A (p.Gly786Arg)

ClinVar aggregate classification (germline): Pathogenic/Likely pathogenic. Pathogenic (8); Likely pathogenic (1).

Submissions 7 to 11 of 11:

Ambry Genetics
Classification: Pathogenic for Familial thoracic aortic aneurysm and aortic dissection. Last evaluated: 2023-09-12. Review status: criteria provided, single submitter. Criteria: Ambry Variant Classification Scheme 2023. Collection method: clinical testing. Allele origin: germline.
Comment: The p.G786R pathogenic mutation (also known as c.2356G>A), located in coding exon 34 of the COL3A1 gene, results from a G to A substitution at nucleotide position 2356. The glycine at codon 786 is replaced by arginine, an amino acid with dissimilar properties. The majority (approximately two-thirds) of COL3A1 mutations identified to date have involved the substitution of another amino acid for glycine within the triple-helical domain (Pepin MG et al. Genet Med. 2014;16(12):881-8; Frank M et al. Eur J Hum Genet. 2015;23(12):1657-64). This particular glycine substitution (also known as legacy p.G619R) has been reported in individuals with vascular Ehlers-Danlos syndrome (vEDS), as well as in affected family members (Kontusaari S et al. J. Clin. Invest., 1990 Nov;86:1465-73; Kuivaniemi H et al. J. Clin. Invest., 1991 Nov;88:1441-4; Pepin MG et al. Genet. Med., 2014 Dec;16:881-8; Morissette R et al. Circ Cardiovasc Genet, 2014 Feb;7:80-8). Internal structural analysis indicates that this alteration disrupts the characteristic G-X-Y motif in the COL3A1 protein and inserts a bulky side chain into a sterically-constrained region (Bella J et al. Science. 1994;266:75-81; Hohenester E et al. Proc. Natl. Acad. Sci. U.S.A. 2008;105:18273-7; Ambry internal data). This variant is considered to be rare based on population cohorts in the Genome Aggregation Database (gnomAD). An alternate amino acid substitution at this codon, p.G786V, has also been detected in vEDS cohorts (Pepin MG et al. Genet. Med., 2014 Dec;16:881-8; Henneton P et al. Circ Genom Precis Med, 2019 Mar;12:e001996). This amino acid position is highly conserved in available vertebrate species. In addition, this alteration is predicted to be deleterious by in silico analysis. Based on the supporting evidence, this alteration is interpreted as a disease-causing mutation.

Blueprint Genetics
Classification: Pathogenic for COL3A1-related disorders. Last evaluated: 2022-06-30. Review status: criteria provided, single submitter. Criteria: ACMG Guidelines, 2015. Collection method: clinical testing. Allele origin: germline. Affected: yes. Observed: 3 variant alleles.

CeGaT Center for Human Genetics Tuebingen
Classification: Pathogenic. Last evaluated: 2018-07-01. Review status: criteria provided, single submitter. Criteria: CeGaT Center For Human Genetics Tuebingen Variant Classification Criteria Version 2. Collection method: clinical testing. Allele origin: germline. Affected: yes. Observed: 3 variant alleles.

OMIM
Classification: Pathogenic for EHLERS-DANLOS SYNDROME, VASCULAR TYPE. Last evaluated: 1991-11-01. Review status: no assertion criteria provided. Collection method: literature only. Allele origin: germline. Not counted in ClinVar's aggregate classification.

Collagen Diagnostic Laboratory, University of Washington
Classification: Pathogenic for Ehlers-Danlos syndrome, type 4. Review status: no assertion criteria provided. Collection method: clinical testing. Allele origin: germline. Affected: yes. Not counted in ClinVar's aggregate classification.

Literature cited by the submitters: PubMed 24399159 (cited by 5 submitters); PubMed 18043893 (cited by 7 submitters); PubMed 2243125 (cited by 6 submitters); PubMed 30474650 (cited by 4 submitters); PubMed 36189931 (cited by Variantyx, Inc. and All of Us Research Program, National Institutes of Health); PubMed 24650746 (cited by 4 submitters); PubMed 31126764 (cited by 3 submitters); PubMed 7695699 (cited by 3 submitters); PubMed 8218237 (cited by 3 submitters); PubMed 19344236 (cited by 3 submitters); PubMed 24922459 (cited by 4 submitters); PubMed 25758994 (cited by 3 submitters); PubMed 36977837 (cited by Color Diagnostics, LLC DBA Color Health and All of Us Research Program, National Institutes of Health); PubMed 37068529 (cited by Color Diagnostics, LLC DBA Color Health); PubMed 37655064 (cited by Color Diagnostics, LLC DBA Color Health and All of Us Research Program, National Institutes of Health); PubMed 1939638 (cited by Ambry Genetics and OMIM); PubMed 30919682 (cited by Ambry Genetics).